The following is an entry in ClinVar:

ClinVar aggregate classification (germline): Uncertain significance (1 of 4 stars; one submission).

Submission:

Labcorp Genetics (formerly Invitae), Labcorp
Classification: Uncertain significance. Last evaluated: 2023-11-07. Review status: criteria provided, single submitter. Criteria: Invitae Variant Classification Sherloc (09022015). Collection method: clinical testing. Allele origin: germline.
Comment: This sequence change replaces phenylalanine, which is neutral and non-polar, with valine, which is neutral and non-polar, at codon 596 of the POLE protein (p.Phe596Val). This variant is not present in population databases (gnomAD no frequency). This variant has not been reported in the literature in individuals affected with POLE-related conditions. Advanced modeling of protein sequence and biophysical properties (such as structural, functional, and spatial information, amino acid conservation, physicochemical variation, residue mobility, and thermodynamic stability) performed at Invitae indicates that this missense variant is expected to disrupt POLE protein function with a positive predictive value of 80%. In summary, the available evidence is currently insufficient to determine the role of this variant in disease. Therefore, it has been classified as a Variant of Uncertain Significance.

NM_006231.4(POLE):c.1786T>G (p.Phe596Val)

Gene: POLE (DNA polymerase epsilon, catalytic subunit; minus strand). Cytogenetic location: 12q24.33.
Variant type: single nucleotide variant.
Coding change: c.1786T>G on transcript NM_006231.4 (MANE Select); coding-DNA position 1786, T replaced by G.
Protein change: p.Phe596Val; replaces phenylalanine 596 with valine.
Molecular consequence: missense variant.
Genome position (GRCh38, 1-based): chr12:132,672,223, A>C on the plus strand (T>G on the coding strand, the complement: POLE is on the minus strand). VCF-style: chr12-132672223-A-C. GRCh37 (hg19) VCF-style: chr12-133248809-A-C.
Other names: short protein forms F596V.
Identifiers: ClinVar variation 2693969 (VCV002693969.3), dbSNP rs2135990165, ClinGen allele CA387356220.